The following is an entry in ClinVar:

NM_001205293.3(CACNA1E):c.749C>G (p.Ala250Gly)

Gene: CACNA1E (calcium voltage-gated channel subunit alpha1 E; plus strand). Cytogenetic location: 1q25.3.
Variant type: single nucleotide variant.
Coding change: c.749C>G on transcript NM_001205293.3 (MANE Select); coding-DNA position 749, C replaced by G.
Protein change: p.Ala250Gly; replaces alanine 250 with glycine.
Molecular consequence: missense variant.
Genome position (GRCh38, 1-based): chr1:181,579,204, C>G. VCF-style: chr1-181579204-C-G. GRCh37 (hg19) VCF-style: chr1-181548340-C-G.
Other names: c.749C>G, p.Ala250Gly (NM_000721.4, NM_001205294.2); short protein forms A250G.
Identifiers: ClinVar variation 4799980 (VCV004799980.1).

ClinVar aggregate classification (germline): Uncertain significance (1 of 4 stars; one submission).

Submission:

Labcorp Genetics (formerly Invitae), Labcorp
Classification: Uncertain significance. Last evaluated: 2025-07-13. Review status: criteria provided, single submitter. Criteria: Invitae Variant Classification Sherloc (09022015). Collection method: clinical testing. Allele origin: germline.
Comment: This sequence change replaces alanine, which is neutral and non-polar, with glycine, which is neutral and non-polar, at codon 250 of the CACNA1E protein (p.Ala250Gly). This variant is not present in population databases (gnomAD no frequency). This variant has not been reported in the literature in individuals affected with CACNA1E-related conditions. Invitae Evidence Modeling of protein sequence and biophysical properties (such as structural, functional, and spatial information, amino acid conservation, physicochemical variation, residue mobility, and thermodynamic stability) has been performed for this missense variant. However, the output from this modeling did not meet the statistical confidence thresholds required to predict the impact of this variant on CACNA1E protein function. In summary, the available evidence is currently insufficient to determine the role of this variant in disease. Therefore, it has been classified as a Variant of Uncertain Significance.